The following is an entry in ClinVar:

ClinVar aggregate classification (germline): Uncertain significance. Review status: criteria provided, multiple submitters, no conflicts (2 of 4 stars). 2 submissions from 2 submitters: Uncertain significance (2). Last evaluated 2025-01-22.

Conditions:
Hereditary pheochromocytoma and paraganglioma. Also called: Hereditary pheochromocytoma-paraganglioma; Hereditary Paraganglioma-Pheochromocytoma Syndromes; Hereditary paragangliomas and pheochromocytomas. Identifiers: Orphanet 29072, MedGen C4274332, MONDO:0017366.
Hereditary cancer-predisposing syndrome. Also called: Hereditary neoplastic syndrome; Hereditary Cancer Syndrome; Tumor predisposition; Neoplastic Syndromes, Hereditary. Identifiers: Orphanet 140162, MedGen C0027672, MeSH D009386, MONDO:0015356.

Allele frequency attached by ClinVar (database versions not stated): TOPMed below 0.00001; ExAC 0.00001; gnomAD 0.00001; gnomAD exomes below 0.00001.
gnomAD v4.1: 2 of 1,613,990 alleles (0.00012%); highest among the groups gnomAD compares: South Asian, 0.0011%; no homozygotes.

Submissions (2):

Ambry Genetics
Classification: Uncertain significance for Hereditary cancer-predisposing syndrome. Last evaluated: 2025-01-22. Review status: criteria provided, single submitter. Criteria: Ambry Variant Classification Scheme 2023. Collection method: clinical testing. Allele origin: germline.
Comment: The c.337A>G variant (also known as p.S113G), located in coding exon 3 of the SDHAF2 gene, results from an A to G substitution at nucleotide position 337. The serine at codon 113 is replaced by glycine, an amino acid with similar properties. This nucleotide position is highly conserved in available vertebrate species. In silico splice site analysis predicts that this alteration will result in the creation or strengthening of a novel splice donor site. RNA studies have demonstrated that this alteration results in a transcript predicted to lead to a protein with an in-frame deletion of 11 amino acids; however, the exact functional impact of the deleted amino acids is unknown at this time (Ambry internal data). Since supporting evidence is limited at this time, the clinical significance of this alteration remains unclear.

Labcorp Genetics (formerly Invitae), Labcorp
Classification: Uncertain significance for Hereditary pheochromocytoma and paraganglioma. Last evaluated: 2024-06-13. Review status: criteria provided, single submitter. Criteria: Invitae Variant Classification Sherloc (09022015). Collection method: clinical testing. Allele origin: germline.
Comment: This sequence change replaces serine, which is neutral and polar, with glycine, which is neutral and non-polar, at codon 113 of the SDHAF2 protein (p.Ser113Gly). This variant is not present in population databases (gnomAD no frequency). This variant has not been reported in the literature in individuals affected with SDHAF2-related conditions. ClinVar contains an entry for this variant (Variation ID: 961324). An algorithm developed to predict the effect of missense changes on protein structure and function (PolyPhen-2) suggests that this variant is likely to be disruptive. Algorithms developed to predict the effect of sequence changes on RNA splicing suggest that this variant may disrupt the consensus splice site. In summary, the available evidence is currently insufficient to determine the role of this variant in disease. Therefore, it has been classified as a Variant of Uncertain Significance.

NM_017841.4(SDHAF2):c.337A>G (p.Ser113Gly)

Gene: SDHAF2 (succinate dehydrogenase complex assembly factor 2; plus strand). Cytogenetic location: 11q12.2.
Variant type: single nucleotide variant.
Coding change: c.337A>G on transcript NM_017841.4 (MANE Select); coding-DNA position 337, A replaced by G.
Protein change: p.Ser113Gly; replaces serine 113 with glycine.
Molecular consequence: missense variant.
Genome position (GRCh38, 1-based): chr11:61,438,080, A>G. VCF-style: chr11-61438080-A-G. GRCh37 (hg19) VCF-style: chr11-61205552-A-G.
Other names: short protein forms S113G.
Identifiers: ClinVar variation 961324 (VCV000961324.13), dbSNP rs780194184, ClinGen allele CA058495.
Genomic context (GRCh38, chr11:61,438,080, plus strand): 5'-CATCTGCAGCACATGACAGAAAAGCAGCTGAACCTCTATGACCGCCTGATTAACGAGCCT[A>G]GTAATGACTGGGATATTTACTACTGGGCCACAGGTACTGGGTATGATAAGCAGCATAATG-3'
Protein context (NP_060311.1, residues 103-123): NLYDRLINEP[Ser113Gly]NDWDIYYWAT